The following is an entry in ClinVar:

NM_001377.3(DYNC2H1):c.5593G>A (p.Gly1865Ser)

Gene: DYNC2H1 (dynein cytoplasmic 2 heavy chain 1; plus strand). Cytogenetic location: 11q22.3.
Variant type: single nucleotide variant.
Coding change: c.5593G>A on transcript NM_001377.3 (MANE Select); coding-DNA position 5593, G replaced by A.
Protein change: p.Gly1865Ser; replaces glycine 1865 with serine.
Molecular consequence: missense variant.
Genome position (GRCh38, 1-based): chr11:103,174,089, G>A. VCF-style: chr11-103174089-G-A. GRCh37 (hg19) VCF-style: chr11-103044818-G-A.
Other names: c.5593G>A, p.Gly1865Ser (NM_001080463.2); c.5593G>A (NM_001080463.1); short protein forms G1865S.
Identifiers: ClinVar variation 1987073 (VCV001987073.6), dbSNP rs1171593967, ClinGen allele CA382243477.

ClinVar aggregate classification (germline): Uncertain significance. Review status: criteria provided, multiple submitters, no conflicts (2 of 4 stars). 2 submissions from 2 submitters: Uncertain significance (2). Last evaluated 2025-11-24.

Conditions:
Inborn genetic diseases. Identifiers: MedGen C0950123, MeSH D030342.
Jeune thoracic dystrophy. Also called: Jeune syndrome; Infantile thoracic dystrophy; Thoracic pelvic phalangeal dystrophy; Jeune's syndrome; Chondroectodermal dysplasia-like syndrome; Short-rib thoracic dysplasia. Identifiers: Orphanet 474, MedGen C0265275, MONDO:0018770.

Allele frequency attached by ClinVar (database versions not stated): gnomAD exomes below 0.00001.
gnomAD v4.1: 6 of 1,590,582 alleles (0.00038%); highest among the groups gnomAD compares: East Asian, 0.014%; no homozygotes.

Submissions (2):

Ambry Genetics
Classification: Uncertain significance for Inborn genetic diseases. Last evaluated: 2025-11-24. Review status: criteria provided, single submitter. Criteria: Ambry Variant Classification Scheme 2023. Collection method: clinical testing. Allele origin: germline.

Labcorp Genetics (formerly Invitae), Labcorp
Classification: Uncertain significance for Jeune thoracic dystrophy. Last evaluated: 2024-08-13. Review status: criteria provided, single submitter. Criteria: Invitae Variant Classification Sherloc (09022015). Collection method: clinical testing. Allele origin: germline.
Comment: This sequence change replaces glycine, which is neutral and non-polar, with serine, which is neutral and polar, at codon 1865 of the DYNC2H1 protein (p.Gly1865Ser). This variant is present in population databases (no rsID available, gnomAD 0.03%). This variant has not been reported in the literature in individuals affected with DYNC2H1-related conditions. ClinVar contains an entry for this variant (Variation ID: 1987073). Advanced modeling of protein sequence and biophysical properties (such as structural, functional, and spatial information, amino acid conservation, physicochemical variation, residue mobility, and thermodynamic stability) performed at Invitae indicates that this missense variant is expected to disrupt DYNC2H1 protein function with a positive predictive value of 95%. In summary, the available evidence is currently insufficient to determine the role of this variant in disease. Therefore, it has been classified as a Variant of Uncertain Significance.